The following is an entry in ClinVar:

ClinVar aggregate classification (germline): Uncertain significance (1 of 4 stars; one submission).

gnomAD v4.1: 8 of 1,560,806 alleles (0.00051%); highest among the groups gnomAD compares: Non-Finnish European, 0.00069%; no homozygotes.

Submission:

GeneDx
Classification: Uncertain significance. Last evaluated: 2023-08-10. Review status: criteria provided, single submitter. Criteria: GeneDx Variant Classification Process June 2021. Collection method: clinical testing. Allele origin: germline. Affected: yes.
Comment: Not observed at significant frequency in large population cohorts (gnomAD); Missense variants in this gene are often considered pathogenic (HGMD); In silico analysis supports that this missense variant does not alter protein structure/function; Has not been previously published as pathogenic or benign to our knowledge; This variant is associated with the following publications: (PMID: 29493581)

NM_002755.4(MAP2K1):c.65G>A (p.Gly22Glu)

Gene: MAP2K1 (mitogen-activated protein kinase kinase 1; plus strand). Cytogenetic location: 15q22.31.
Variant type: single nucleotide variant.
Coding change: c.65G>A on transcript NM_002755.4 (MANE Select); coding-DNA position 65, G replaced by A.
Protein change: p.Gly22Glu; replaces glycine 22 with glutamic acid.
Molecular consequence: missense variant.
Genome position (GRCh38, 1-based): chr15:66,387,412, G>A. VCF-style: chr15-66387412-G-A. GRCh37 (hg19) VCF-style: chr15-66679750-G-A.
Other names: short protein forms G22E.
Identifiers: ClinVar variation 3338718 (VCV003338718.1).